The following is an entry in ClinVar:

NM_001482.3(GATM):c.*699A>C

Gene: GATM (glycine amidinotransferase; minus strand). Cytogenetic location: 15q21.1.
Variant type: single nucleotide variant.
Coding change: c.*699A>C on transcript NM_001482.3 (MANE Select); 699 bases downstream of the stop codon, A replaced by C.
Molecular consequence: 3 prime UTR variant.
Genome position (GRCh38, 1-based): chr15:45,361,410, T>G on the plus strand (A>C on the coding strand, the complement: GATM is on the minus strand). VCF-style: chr15-45361410-T-G. GRCh37 (hg19) VCF-style: chr15-45653608-T-G.
Other names: c.*699A>C (NM_001321015.2).
Identifiers: ClinVar variation 316205 (VCV000316205.6), dbSNP rs750817737, ClinGen allele CA10642025.
Genomic context (GRCh38, chr15:45,361,410, plus strand): 5'-GAAATCCAATTACACTAAACATTCCTAAATTTTTGGAAAGAGAGAAAAAGATTAAAATAA[T>G]TCACTTGAAATGAGGTAAGATGTATATGAAAAGGTTTTTAGTAGCATATATCACAATGTT-3'

ClinVar aggregate classification (germline): Benign. Review status: reviewed by expert panel (3 of 4 stars). 2 submissions from 2 submitters: Benign (1). 1 of the submissions does not count toward it. Last evaluated 2022-06-06.

Conditions:
Arginine:glycine amidinotransferase deficiency (CCDS3). Also called: Creatine deficiency syndrome due to AGAT deficiency; GATM deficiency; Cerebral creatine deficiency syndrome 3; L-Arginine:Glycine Amidinotransferase (AGAT) Deficiency; AGAT deficiency; L-Arginine:Glycine Amidinotransferase Deficiency. Identifiers: Orphanet 35704, MedGen C2675179, MONDO:0012996, OMIM 612718.

Allele frequency attached by ClinVar (database versions not stated): TOPMed 0.00087; gnomAD 0.00096 and 0.00099.

Submissions (2):

ClinGen Cerebral Creatine Deficiency Syndromes Variant Curation Expert Panel, ClinGen
Classification: Benign for Arginine:glycine amidinotransferase deficiency. Last evaluated: 2022-06-06. Review status: reviewed by expert panel. Criteria: ClinGen_CCDS_ACMG_Specifications_GATM_v1.1. Collection method: curation. Allele origin: germline. Inheritance: Autosomal recessive inheritance.
Comment: The NM_001482.3:c.*699A>C variant is a single nucleotide substitution in the 3'UTR of GATM. Because the variant is located in the 3'UTR, it is not expected to alter the amino acid sequence. The highest population minor allele frequency in gnomAD v2.1.1 is 0.00149 (23/15424 alleles) in the non-Finnish European population, which is higher than the ClinGen CCDS VCEP’s threshold for BA1 (>0.0005), and therefore meets this criterion (BA1). There is a ClinVar entry for this variant (Variation ID: 316205). In summary, this variant meets the criteria to be classified as benign for AGAT deficiency based on the ACMG/AMP criteria applied, as specified by the ClinGen Cerebral Creatine Deficiency Syndromes Variant Curation Expert Panel (Specifications Version 1.1.0): BA1. (Classification approved by the ClinGen CCDS VCEP on June 6, 2022).

Illumina Laboratory Services, Illumina
Classification: Uncertain significance for Arginine:glycine amidinotransferase deficiency. Last evaluated: 2018-01-13. Review status: criteria provided, single submitter. Criteria: ICSL Variant Classification Criteria 13 December 2019. Collection method: clinical testing. Allele origin: germline. Not counted in ClinVar's aggregate classification.